The following is an entry in ClinVar:

NM_030773.4(TUBB1):c.326G>A (p.Gly109Glu)

Gene: TUBB1 (tubulin beta 1 class VI; plus strand). Cytogenetic location: 20q13.32.
Variant type: single nucleotide variant.
Coding change: c.326G>A on transcript NM_030773.4 (MANE Select); coding-DNA position 326, G replaced by A.
Protein change: p.Gly109Glu; replaces glycine 109 with glutamic acid.
Molecular consequence: missense variant.
Genome position (GRCh38, 1-based): chr20:59,023,753, G>A. VCF-style: chr20-59023753-G-A. GRCh37 (hg19) VCF-style: chr20-57598808-G-A.
Other names: short protein forms G109E.
Identifiers: ClinVar variation 626929 (VCV000626929.25), dbSNP rs41303899, ClinGen allele CA9928479.
Genomic context (GRCh38, chr20:59,023,753, plus strand): 5'-TTTTGGCCACAGGTAACTCTGGGGCTGGCAACAACTGGGCCAAAGGCCACTACACGGAGG[G>A]AGCCGAGCTGATCGAGAATGTCCTAGAGGTGGTGAGGCACGAGAGTGAGAGCTGTGACTG-3'
Protein context (NP_110400.1, residues 99-119): NNWAKGHYTE[Gly109Glu]AELIENVLEV

ClinVar aggregate classification (germline): Conflicting classifications of pathogenicity. Review status: criteria provided, conflicting classifications (1 of 4 stars). 12 submissions from 11 submitters: Pathogenic (1); Likely pathogenic (1); Uncertain significance (5); Likely benign (5). Last evaluated 2026-08-01.

Conditions:
Macrothrombocytopenia, isolated, 1, autosomal dominant (MACTHC1). Also called: Autosomal dominant macrothrombocytopenia TUBB1-related. Identifiers: Orphanet 140957, MedGen C5676892, MONDO:0800047, OMIM 613112.
TUBB1-related disorder. Also called: TUBB1-related condition.
Thrombocytopenia. Identifiers: MedGen C0040034, MeSH D013921, MONDO:0002049, HP:0001873.
Macrothrombocytopenia. Identifiers: MedGen C2751260, HP:0040185.

Allele frequency attached by ClinVar (database versions not stated): 1000 Genomes Project 30x 0.00078; 1000 Genomes Project 0.00080; ExAC 0.00087; gnomAD exomes 0.00087 and 0.00127; gnomAD 0.00089 and 0.00092; TOPMed 0.00091; ESP Exome Variant Server 0.00108.

Submissions (12):

CeGaT Center for Human Genetics Tuebingen
Classification: Likely benign. Last evaluated: 2026-08-01. Review status: criteria provided, single submitter. Criteria: CeGaT Center For Human Genetics Tuebingen Variant Classification Criteria Version 2. Collection method: clinical testing. Allele origin: germline. Affected: yes. Observed: 1 variant allele.
Comment: TUBB1: BS1

PreventionGenetics, part of Exact Sciences
Classification: Uncertain significance for TUBB1-related condition. Last evaluated: 2026-03-17. Review status: criteria provided, single submitter. Criteria: ACMG Guidelines, 2015. Collection method: clinical testing. Allele origin: germline.
Comment: The TUBB1 c.326G>A variant is predicted to result in the amino acid substitution p.Gly109Glu. This variant has been reported in patients with lower mean platelet counts and unaffected people (Auer et al. 2014. PubMed ID: 24777453; Andres et al. 2018. PubMed ID: 31249973; Downes et al. 2019. PubMed ID: 31064749. Table S3; Vuckovic et al. 2020. PubMed ID: 32888494. Table S2; Palma-Barqueros et al. 2021. PubMed ID: 34516618; Collins et al. 2021. PubMed ID: 33783834). The segregation of this variant showed that three patients with the homozygous state have low platelet counts in two unrelated families (Andres et al. 2018. PubMed ID: 31249973; Palma-Barqueros et al. 2021. PubMed ID: 34516618). However, this variant is reported in 242 heterozygotes and 0.16% of alleles in individuals of European (Non-Finnish) descent in gnomAD, which is more common than expected for a disease-causing variant. In ClinVar, this variant has conflicting interpretations of likely benign, uncertain significance and likely pathogenic (Variation ID: 626929). Although we suspect that this variant may be benign, at this time, the clinical significance of this variant is uncertain due to the absence of conclusive functional and genetic evidence.

St. Jude Molecular Pathology, St. Jude Children's Research Hospital
Classification: Uncertain significance for Macrothrombocytopenia, isolated, 1, autosomal dominant. Last evaluated: 2026-02-11. Review status: criteria provided, single submitter. Criteria: St. Jude Assertion Criteria 2020. Collection method: clinical testing. Allele origin: germline.
Comment: The TUBB1 c.326G>A; p.(Gly109Glu) missense change has a maximum subpopulation frequency of 0.16% in gnomAD v2.1.1. The in silico tool REVEL predicts a damaging effect on protein function. Functional studies have demonstrated that variant protein reduces proplatelet formation and leads to abnormal tubulin expression in platelets and CHO cells (PMID: 34516618). This variant has been reported in individuals with TUBB1-associated conditions (PMID: 24777453, 31064749, 34516618). In one family with eight individuals identified as carriers of this variant, six of them exhibited increased mean platelet volume; however, only individuals who were homozygous for the variant developed thrombocytopenia (PMID: 34516618). A large genome-wide association study (GWAS) including over 31,000 individuals demonstrated that carriers of this variant had significantly lower platelet counts compared to non-carriers, establishing the variant as a common allele influencing platelet count in the general population (PMID: 24777453). In summary, the evidence currently available is insufficient to determine the clinical significance of this variant. It has therefore been classified as of uncertain significance.

Labcorp Genetics (formerly Invitae), Labcorp
Classification: Likely benign. Last evaluated: 2026-01-26. Review status: criteria provided, single submitter. Criteria: Invitae Variant Classification Sherloc (09022015). Collection method: clinical testing. Allele origin: germline.

Center for Genomic Medicine, Rigshospitalet, Copenhagen University Hospital
Classification: Likely benign. Last evaluated: 2025-12-29. Review status: criteria provided, single submitter. Criteria: ACMG Guidelines, 2015. Collection method: clinical testing. Allele origin: germline.

Blueprint Genetics
Classification: Likely benign. Last evaluated: 2024-11-26. Review status: criteria provided, single submitter. Criteria: ACMG Guidelines, 2015. Collection method: clinical testing. Allele origin: germline.

Women's Health and Genetics/Laboratory Corporation of America, LabCorp
Classification: Likely benign. Last evaluated: 2024-10-28. Review status: criteria provided, single submitter. Criteria: LabCorp Variant Classification Summary - May 2015. Collection method: clinical testing. Allele origin: germline.
Comment: Variant summary: TUBB1 c.326G>A (p.Gly109Glu) results in a non-conservative amino acid change located in the Tubulin/FtsZ, GTPase domain (IPR003008) of the encoded protein sequence. Five of five in-silico tools predict a damaging effect of the variant on protein function. The variant allele was found at a frequency of 0.00087 in 251476 control chromosomes, predominantly at a frequency of 0.0017 within the Non-Finnish European subpopulation in the gnomAD database. The observed variant frequency within Non-Finnish European control individuals in the gnomAD database exceeds the estimated maximal expected allele frequency for a pathogenic variant in TUBB1 causing Autosomal Dominant Macrothrombocytopenia TUBB1-Related phenotype. c.326G>A has been reported in the literature in association studies as being associated with significantly lower mean platelet count and increased mean platelet volume (Auer_2014, Eicher_2016). Additionally, the variant was reported in a CVID patient cohort (Stuchly_2017), in a cohort of patients with platelet count disease and platelet function disease (Downes_2019), and in a cohort of patients with mild isolated nonsyndromic thrombocytopenia (Gueguen_2020). In all of these studies, the variant was reported in the heterozygous state. The variant was reported in the homozygous state in one patient with Familial Macrothrombocytopenia in which the variant was reported to segregate with disease but family data was not reported (Andres_2018). In another study, two homozygous siblings were reported with macrothrombocytopenia, while only one heterozygous carrier in the family had increased MPV (Palma-Barqueros_2021). These data indicate the variant in the heterozygous state may be associated with lower platelet count, but could result in Familial Macrothrombocytopenia in the homozygous state. However, to our knowledge there is no strong recessive gene-disease association for TUBB1. Functional studies in patient cells found that homozygous carriers lacked the marginal band, and b1-tubulin was disposed in aggregates in the cytoplasm, whereas the b1-tubulin marginal band was normal in platelets from heterozygous carriers. Additionally, although platelets from homozygous carriers displayed normal spreading, b1-tubulin formed aggregates localized in the cytoplasm instead than at the center of platelets, as observed in heterozygous carriers and controls. Quantitative RT-PCR showed a non-significant reduction in TUBB1 mRNA levels in homozygous carriers (Palma-Barqueros_2021). The following publications have been ascertained in the context of this evaluation (PMID: 31249973, 24777453, 31064749, 27346686, 32757236, 34516618, 28054583). ClinVar contains an entry for this variant (Variation ID: 626929). Based on the evidence outlined above, the variant was classified as likely benign.

Mendelics
Classification: Pathogenic for Macrothrombocytopenia, isolated, 1, autosomal dominant. Last evaluated: 2022-05-04. Review status: criteria provided, single submitter. Criteria: Mendelics Assertion Criteria 2019. Collection method: clinical testing. Allele origin: germline.

NIHR Bioresource Rare Diseases, University of Cambridge
Classification: Likely pathogenic for Thrombocytopenia. Last evaluated: 2019-02-01. Review status: criteria provided, single submitter. Criteria: ACMG Guidelines, 2015. Collection method: research. Allele origin: unknown. Affected: yes. Observed: 2 heterozygotes. Study: ThromboGenomics.

NIHR Bioresource Rare Diseases, University of Cambridge
Classification: Uncertain significance for Macrothrombocytopenia. Last evaluated: 2019-02-01. Review status: criteria provided, single submitter. Criteria: ACMG Guidelines, 2015. Collection method: research. Allele origin: unknown. Affected: yes. Observed: 2 heterozygotes. Study: ThromboGenomics.

Baylor Genetics
Classification: Uncertain significance for Macrothrombocytopenia, isolated, 1, autosomal dominant. Last evaluated: 2018-09-28. Review status: criteria provided, single submitter. Criteria: ACMG Guidelines, 2015. Collection method: clinical testing. Allele origin: unknown. Affected: yes.
Comment: This variant was determined to be of uncertain significance according to ACMG Guidelines, 2015 [PMID:25741868]. It has been reported to be statistically associated with low platelet count trait (note that study cohort is from general population) [PMID 24777453]

ISTH-SSC Genomics in Thrombosis and Hemostasis, KU Leuven, Center for Molecular and Vascular Biology
Classification: Uncertain significance for Macrothrombocytopenia, isolated, 1, autosomal dominant. Review status: criteria provided, single submitter. Criteria: ACMG Guidelines, 2015. Collection method: clinical testing. Allele origin: germline. Affected: yes. Observed: 1 heterozygote, 1 homozygote.
Comment: Submitted to GoldVariant by Kathleen Freson, Center for Molecular and Vascular Biology, Leuven, Belgium and Jose María Bastida and José Rivera; Grupo Español de Alteraciones Plaquetarias Congénitas (GEAPC)

Literature cited by the submitters: PubMed 31064749 (cited by 3 submitters); PubMed 31249973 (cited by Women's Health and Genetics/Laboratory Corporation of America, LabCorp); PubMed 28054583 (cited by Women's Health and Genetics/Laboratory Corporation of America, LabCorp); PubMed 32757236 (cited by Women's Health and Genetics/Laboratory Corporation of America, LabCorp); PubMed 24777453 (cited by Women's Health and Genetics/Laboratory Corporation of America, LabCorp and Baylor Genetics); PubMed 27346686 (cited by Women's Health and Genetics/Laboratory Corporation of America, LabCorp); PubMed 34516618 (cited by Women's Health and Genetics/Laboratory Corporation of America, LabCorp).